The following is an entry in ClinVar:

ClinVar aggregate classification (germline): Benign. Review status: criteria provided, multiple submitters, no conflicts (2 of 4 stars). 8 submissions from 6 submitters: Benign (8). Last evaluated 2026-01-25.

Conditions:
Hereditary spherocytosis type 3. Also called: SPTA1-Related Spherocytosis; Spherocytosis type 3. Identifiers: Orphanet 822, MedGen C2678338, MONDO:0010053, OMIM 270970.
Elliptocytosis 2 (EL2). Also called: ELLIPTOCYTOSIS, RHESUS-UNLINKED TYPE. Identifiers: Orphanet 288, MedGen C1851741, MONDO:0007533, OMIM 130600.
Pyropoikilocytosis, hereditary. Also called: Pyropoikilocytosis. Identifiers: MedGen C0520739, MONDO:0009948, OMIM 266140, HP:0004839. Disease mechanism: loss of function.

Allele frequency attached by ClinVar (database versions not stated): gnomAD exomes 0.00847 and 0.00333; ExAC 0.00991; gnomAD 0.03238 and 0.03495; ESP Exome Variant Server 0.03480; 1000 Genomes Project 0.03514; TOPMed 0.03693; 1000 Genomes Project 30x 0.03857.
gnomAD v4.1: 10,006 of 1,613,752 alleles (0.62%); highest among the groups gnomAD compares: African/African-American, 12%; 512 homozygotes.

Submissions (8):

Labcorp Genetics (formerly Invitae), Labcorp
Classification: Benign. Last evaluated: 2026-01-25. Review status: criteria provided, single submitter. Criteria: Invitae Variant Classification Sherloc (09022015). Collection method: clinical testing. Allele origin: germline.

ARUP Laboratories, Molecular Genetics and Genomics, ARUP Laboratories
Classification: Benign. Last evaluated: 2025-06-19. Review status: criteria provided, single submitter. Criteria: ARUP Molecular Germline Variant Investigation Process 2024. Collection method: clinical testing. Allele origin: germline.

Mayo Clinic Laboratories, Mayo Clinic
Classification: Benign. Last evaluated: 2022-07-11. Review status: criteria provided, single submitter. Criteria: ACMG Guidelines, 2015. Collection method: clinical testing. Allele origin: germline. Observed: 103 variant alleles.
Comment: BS1, BS2

Illumina Laboratory Services, Illumina
Classification: Benign for Hereditary spherocytosis type 3. Last evaluated: 2018-01-13. Review status: criteria provided, single submitter. Criteria: ICSL Variant Classification Criteria 13 December 2019. Collection method: clinical testing. Allele origin: germline.
Comment: This variant was observed in the ICSL laboratory as part of a predisposition screen in an ostensibly healthy population. It had not been previously curated by ICSL or reported in the Human Gene Mutation Database (HGMD: prior to June 1st, 2018), and was therefore a candidate for classification through an automated scoring system. Utilizing variant allele frequency, disease prevalence and penetrance estimates, and inheritance mode, an automated score was calculated to assess if this variant is too frequent to cause the disease. Based on the score and internal cut-off values, a variant classified as benign is not then subjected to further curation. The score for this variant resulted in a classification of benign for this disease.

Illumina Laboratory Services, Illumina
Classification: Benign for Pyropoikilocytosis, hereditary. Last evaluated: 2018-01-13. Review status: criteria provided, single submitter. Criteria: ICSL Variant Classification Criteria 13 December 2019. Collection method: clinical testing. Allele origin: germline.
Comment: the same text as in the submission from Illumina Laboratory Services, Illumina above.

Illumina Laboratory Services, Illumina
Classification: Benign for Elliptocytosis 2. Last evaluated: 2018-01-13. Review status: criteria provided, single submitter. Criteria: ICSL Variant Classification Criteria 13 December 2019. Collection method: clinical testing. Allele origin: germline.
Comment: the same text as in the submission from Illumina Laboratory Services, Illumina above.

Breakthrough Genomics
Classification: Benign. Review status: criteria provided, single submitter. Criteria: ACMG Guidelines, 2015. Collection method: not provided. Allele origin: germline. Inheritance: Autosomal recessive inheritance. Affected: yes.

PreventionGenetics, part of Exact Sciences
Classification: Benign. Review status: criteria provided, single submitter. Criteria: ACMG Guidelines, 2015. Collection method: clinical testing. Allele origin: germline.

NM_003126.4(SPTA1):c.454G>A (p.Asp152Asn)

Gene: SPTA1 (spectrin alpha, erythrocytic 1; minus strand). Cytogenetic location: 1q23.1.
Variant type: single nucleotide variant.
Coding change: c.454G>A on transcript NM_003126.4 (MANE Select); coding-DNA position 454, G replaced by A.
Protein change: p.Asp152Asn; replaces aspartic acid 152 with asparagine.
Molecular consequence: missense variant.
Genome position (GRCh38, 1-based): chr1:158,681,604, C>T on the plus strand (G>A on the coding strand, the complement: SPTA1 is on the minus strand). VCF-style: chr1-158681604-C-T. GRCh37 (hg19) VCF-style: chr1-158651394-C-T.
Other names: short protein forms D152N.
Identifiers: ClinVar variation 258941 (VCV000258941.30), dbSNP rs16840544, ClinGen allele CA1184134.